The following is an entry in ClinVar:

ClinVar aggregate classification (germline): Conflicting classifications of pathogenicity. Review status: criteria provided, conflicting classifications (1 of 4 stars). 3 submissions from 3 submitters: Likely pathogenic (1); Uncertain significance (2). Last evaluated 2026-08-06.

Conditions:
Premature ovarian insufficiency (POF). Also called: Premature ovarian failure. Identifiers: MedGen C4303540, HP:0008209.
Antley-Bixler syndrome with genital anomalies and disordered steroidogenesis (ABS1). Also called: POR Deficiency. Identifiers: Orphanet 63269, MedGen C3150099, MONDO:0008726, OMIM 201750.

Allele frequency attached by ClinVar (database versions not stated): gnomAD exomes 0.00004 and 0.00003; ExAC below 0.00001; gnomAD 0.00004; TOPMed 0.00004; ESP Exome Variant Server 0.00008.
gnomAD v4.1: 67 of 1,578,928 alleles (0.0042%); highest among the groups gnomAD compares: Non-Finnish European, 0.0054%; no homozygotes.

Submissions (3):

OLLIN Analises Genomicas, OLLIN
Classification: Uncertain significance for Antley-Bixler syndrome with genital anomalies and disordered steroidogenesis. Last evaluated: 2026-08-06. Review status: criteria provided, single submitter. Criteria: ACMG Guidelines 2015 PMID 25741868. Collection method: clinical testing. Allele origin: germline. Inheritance: Autosomal recessive inheritance.
Comment: This missense variant, located in exon 13 (of 16), has been reported in ClinVar (accession VCV000929754.4) and in gnomAD with an allele frequency of 0.0042%. However, to our knowledge, it has not been reported in the scientific literature. In silico analysis predicts that this variant has a deleterious effect. According to the currently available evidence, this variant has been classified as uncertain significance (PM2_P, PP3_M).

Women's Health and Genetics/Laboratory Corporation of America, LabCorp
Classification: Uncertain significance. Last evaluated: 2024-05-15. Review status: criteria provided, single submitter. Criteria: LabCorp Variant Classification Summary - May 2015. Collection method: clinical testing. Allele origin: germline.
Comment: Variant summary: POR c.1579C>T (p.Pro527Ser) results in a non-conservative amino acid change in the encoded protein sequence. Five of five in-silico tools predict a damaging effect of the variant on protein function. The variant allele was found at a frequency of 2.6e-05 in 192194 control chromosomes. The available data on variant occurrences in the general population are insufficient to allow any conclusion about variant significance. To our knowledge, no occurrence of c.1579C>T in individuals affected with Congenital Adrenal Hyperplasia and no experimental evidence demonstrating its impact on protein function have been reported. ClinVar contains an entry for this variant (Variation ID: 929754). Based on the evidence outlined above, the variant was classified as uncertain significance.

Medical Cytogenetics and Molecular Genetics Laboratory, IRCCS Istituto Auxologico Italiano
Classification: Likely pathogenic for Premature ovarian failure. Last evaluated: 2020-03-02. Review status: criteria provided, single submitter. Criteria: ACMG Guidelines, 2015. Collection method: research. Allele origin: germline. Affected: yes. Observed: 1 variant allele.

NM_001395413.1(POR):c.1579C>T (p.Pro527Ser)

Gene: POR (cytochrome p450 oxidoreductase; plus strand). Cytogenetic location: 7q11.23.
Variant type: single nucleotide variant.
Coding change: c.1579C>T on transcript NM_001395413.1 (MANE Select); coding-DNA position 1579, C replaced by T.
Protein change: p.Pro527Ser; replaces proline 527 with serine.
Molecular consequence: missense variant.
Genome position (GRCh38, 1-based): chr7:75,985,768, C>T. VCF-style: chr7-75985768-C-T. GRCh37 (hg19) VCF-style: chr7-75615086-C-T.
Other names: c.1588C>T, p.Pro530Ser (NM_000941.3); c.1579C>T, p.Pro527Ser (NM_001367562.3, NM_001382657.2, NM_001382658.3 and 1 more transcripts); c.1633C>T, p.Pro545Ser (NM_001382655.3); c.1429C>T, p.Pro477Ser (NM_001382662.3); short protein forms P530S, P477S, P527S, P545S.
Identifiers: ClinVar variation 929754 (VCV000929754.5), dbSNP rs375387233, ClinGen allele CA4304196.